The following is an entry in ClinVar:

ClinVar aggregate classification (germline): Pathogenic/Likely pathogenic. Review status: criteria provided, multiple submitters, no conflicts (2 of 4 stars). 4 submissions from 4 submitters: Pathogenic (3); Likely pathogenic (1). Last evaluated 2017-04-20.

Conditions:
Hereditary breast ovarian cancer syndrome. Also called: Breast and ovarian cancer; Hereditary breast and ovarian cancer; Hereditary breast and ovarian cancer syndrome; Hereditary breast and/or ovarian cancer syndrome; BRCA1- and BRCA2-Associated Hereditary Breast and Ovarian Cancer; Hereditary breast and ovarian cancer syndrome (HBOC). Identifiers: Orphanet 145, MedGen C0677776, MeSH D061325, MONDO:0003582. Disease mechanism: loss of function.
Breast-ovarian cancer, familial, susceptibility to, 1 (BROVCA1). Also called: BRCA1 Hereditary Breast and Ovarian Cancer; OVARIAN CANCER, SUSCEPTIBILITY TO. Identifiers: Orphanet 145, MedGen C2676676, MONDO:0011450, OMIM 604370. Disease mechanism: loss of function.

Submissions (4):

Department of Pathology and Molecular Medicine, Queen's University
Classification: Likely pathogenic for Hereditary breast ovarian cancer syndrome. Last evaluated: 2017-04-20. Review status: criteria provided, single submitter. Criteria: ACMG Guidelines, 2015. Collection method: clinical testing. Allele origin: germline. Study: The Canadian Open Genetics Repository (COGR).

Labcorp Genetics (formerly Invitae), Labcorp
Classification: Pathogenic for Hereditary breast ovarian cancer syndrome. Last evaluated: 2017-01-18. Review status: criteria provided, single submitter. Criteria: Invitae Variant Classification Sherloc (09022015). Collection method: clinical testing. Allele origin: germline.
Comment: This sequence change is a gross deletion of the genomic region encompassing exon 3 of the BRCA1 gene. This deletion extends to both edges of the assayed region for this exon, and although the 5' and 3' boundaries of this event are in the 2nd and 3rd introns, respectively, the exact breakpoints are not known. Deletion of exon 3 maintains the reading frame but is expected to create a premature stop signal at codon 27 (p.Cys27*) that would result in an absent or disrupted protein product. Gross deletions of exon 3 have been reported in individuals and families affected with breast and ovarian cancer (PMID: 10918394, 15863663, 16551709, 22473970, 24916180). For these reasons, this variant has been classified as Pathogenic.

Consortium of Investigators of Modifiers of BRCA1/2 (CIMBA), c/o University of Cambridge
Classification: Pathogenic for Breast-ovarian cancer, familial, susceptibility to, 1. Last evaluated: 2015-10-02. Review status: criteria provided, single submitter. Criteria: CIMBA Mutation Classification guidelines May 2016. Collection method: clinical testing. Allele origin: germline.

Department of Pathology and Laboratory Medicine, Sinai Health System
Classification: Pathogenic for Hereditary breast ovarian cancer syndrome. Last evaluated: 2014-01-06. Review status: criteria provided, single submitter. Criteria: ACMG Guidelines, 2015. Collection method: clinical testing. Allele origin: germline. Affected: yes. Study: The Canadian Open Genetics Repository (COGR).

Literature cited by the submitters: PubMed 18330910 (cited by Department of Pathology and Laboratory Medicine, Sinai Health System); PubMed 22006311 (cited by Department of Pathology and Laboratory Medicine, Sinai Health System); PubMed 15863663 (cited by Department of Pathology and Laboratory Medicine, Sinai Health System).

NM_007294.3(BRCA1):c.81-?_134+?del

Gene: BRCA1 (BRCA1 DNA repair associated; minus strand). Cytogenetic location: 17q21.31.
Variant type: Deletion.
Coding change: c.81-?_134+?del on transcript NM_007294.3.
Other names: c.81-?_134+?del (LRG_292t1).
Identifiers: ClinVar variation 224944 (VCV000224944.3).